The following is an entry in ClinVar:

ClinVar aggregate classification (germline): Uncertain significance (1 of 4 stars; one submission).

Allele frequency attached by ClinVar (database versions not stated): gnomAD exomes below 0.00001; ExAC 0.00002.
gnomAD v4.1: 3 of 1,614,168 alleles (0.00019%); highest among the groups gnomAD compares: Middle Eastern, 0.016%; no homozygotes.

Submission:

Labcorp Genetics (formerly Invitae), Labcorp
Classification: Uncertain significance. Last evaluated: 2023-05-15. Review status: criteria provided, single submitter. Criteria: Invitae Variant Classification Sherloc (09022015). Collection method: clinical testing. Allele origin: germline.
Comment: This variant has not been reported in the literature in individuals affected with CSF1R-related conditions. This variant is present in population databases (rs750922001, gnomAD 0.006%). This sequence change replaces leucine, which is neutral and non-polar, with isoleucine, which is neutral and non-polar, at codon 417 of the CSF1R protein (p.Leu417Ile). Advanced modeling of protein sequence and biophysical properties (such as structural, functional, and spatial information, amino acid conservation, physicochemical variation, residue mobility, and thermodynamic stability) performed at Invitae indicates that this missense variant is not expected to disrupt CSF1R protein function. In summary, the available evidence is currently insufficient to determine the role of this variant in disease. Therefore, it has been classified as a Variant of Uncertain Significance.

NM_001288705.3(CSF1R):c.1249C>A (p.Leu417Ile)

Gene: CSF1R (colony stimulating factor 1 receptor; minus strand). Cytogenetic location: 5q32.
Variant type: single nucleotide variant.
Coding change: c.1249C>A on transcript NM_001288705.3 (MANE Select); coding-DNA position 1249, C replaced by A.
Protein change: p.Leu417Ile; replaces leucine 417 with isoleucine.
Molecular consequence: missense variant. On other transcripts: non-coding transcript variant (2).
Genome position (GRCh38, 1-based): chr5:150,070,252, G>T on the plus strand (C>A on the coding strand, the complement: CSF1R is on the minus strand). VCF-style: chr5-150070252-G-T. GRCh37 (hg19) VCF-style: chr5-149449815-G-T.
Other names: c.1249C>A, p.Leu417Ile (NM_001349736.2, NM_001375320.1, NM_005211.4); c.805C>A, p.Leu269Ile (NM_001375321.1); short protein forms L269I, L417I.
Identifiers: ClinVar variation 2801042 (VCV002801042.3), dbSNP rs750922001, ClinGen allele CA3506893.
Genomic context (GRCh38, chr5:150,070,252, plus strand): 5'-GGCCACTGCACTGCAGCCATGTCACGTTGGGCTGGGGGTACCCAGAGGCAGCACACAAAA[G>T]GGTGCCAGAGCCGTTGATGAATGTCCATATGACGCTTACCTCTGGGGGGTCTGAGGAAGA-3'
Protein context (NP_001275634.1, residues 407-427): IWTFINGSGT[Leu417Ile]LCAASGYPQP